The following is an entry in ClinVar:

ClinVar aggregate classification (germline): Uncertain significance. Review status: criteria provided, multiple submitters, no conflicts (2 of 4 stars). 4 submissions from 4 submitters: Uncertain significance (4). Last evaluated 2025-09-10.

Conditions:
RYR1-related disorder. Also called: RYR1-related condition; RYR1-related disorders. Identifiers: MedGen CN239331.
King Denborough syndrome (KDS). Identifiers: MedGen C1840365, MONDO:0020485, OMIM 619542.
Malignant hyperthermia, susceptibility to, 1 (MHS1). Also called: Anesthesia related hyperthermia; Malignant hyperpyrexia; Fulminating hyperpyrexia; Pharmacogenic myopathy; RYR1-Related Malignant Hyperthermia Susceptibility; Malignant hyperthermia suceptibility 1. Identifiers: Orphanet 423, MedGen C2930980, MONDO:0007783, OMIM 145600.
Central core myopathy (CMYO1A). Also called: CONGENITAL MYOPATHY 1A, AUTOSOMAL DOMINANT, WITH SUSCEPTIBILITY TO MALIGNANT HYPERTHERMIA; Central core disease; Myopathy, central fibrillar. Identifiers: Orphanet 597, MedGen C5830701, MONDO:0007294, OMIM 117000.
Congenital multicore myopathy with external ophthalmoplegia (CMYO1B). Also called: Congenital myopathy 1B, autosomal recessive; Minicore myopathy; Minicore myopathy with external ophthalmoplegia; MULTICORE MYOPATHY; MULTIMINICORE DISEASE WITH EXTERNAL OPHTHALMOPLEGIA. Identifiers: Orphanet 598, Orphanet 98905, MedGen C1850674, MONDO:0009712, OMIM 255320, HP:0003789.
Congenital myopathy with fiber type disproportion. Also called: Congenital fiber-type disproportion; Congenital fiber-type disproportion myopathy. Identifiers: Orphanet 2020, MedGen C0546264, MONDO:0009711. Inheritance: all.

Allele frequency attached by ClinVar (database versions not stated): gnomAD exomes 0.00003; TOPMed 0.00003; gnomAD 0.00004 and 0.00005; ExAC 0.00010; 1000 Genomes Project 30x 0.00016.
gnomAD v4.1: 47 of 1,483,980 alleles (0.0032%); highest among the groups gnomAD compares: South Asian, 0.014%; no homozygotes.

Submissions (4):

GeneDx
Classification: Uncertain significance. Last evaluated: 2025-09-10. Review status: criteria provided, single submitter. Criteria: GeneDx Variant Classification Process June 2021. Collection method: clinical testing. Allele origin: germline. Affected: yes.
Comment: Not observed at significant frequency in large population cohorts (gnomAD); In silico analysis suggests that this missense variant does not alter protein structure/function; Has not been previously published as pathogenic or benign to our knowledge

Labcorp Genetics (formerly Invitae), Labcorp
Classification: Uncertain significance for RYR1-related disorder. Last evaluated: 2024-09-15. Review status: criteria provided, single submitter. Criteria: Invitae Variant Classification Sherloc (09022015). Collection method: clinical testing. Allele origin: germline.
Comment: This sequence change replaces alanine, which is neutral and non-polar, with threonine, which is neutral and polar, at codon 4275 of the RYR1 protein (p.Ala4275Thr). This variant is present in population databases (rs761125496, gnomAD 0.01%). This variant has not been reported in the literature in individuals affected with RYR1-related conditions. ClinVar contains an entry for this variant (Variation ID: 1041717). Invitae Evidence Modeling of protein sequence and biophysical properties (such as structural, functional, and spatial information, amino acid conservation, physicochemical variation, residue mobility, and thermodynamic stability) indicates that this missense variant is not expected to disrupt RYR1 protein function with a negative predictive value of 95%. In summary, the available evidence is currently insufficient to determine the role of this variant in disease. Therefore, it has been classified as a Variant of Uncertain Significance.

Revvity Omics, Revvity
Classification: Uncertain significance. Last evaluated: 2022-06-21. Review status: criteria provided, single submitter. Criteria: ACMG Guidelines, 2015. Collection method: clinical testing. Allele origin: germline.

Fulgent Genetics
Classification: Uncertain significance for Central core myopathy; Malignant hyperthermia, susceptibility to, 1; Congenital myopathy 4A, autosomal dominant; Congenital multicore myopathy with external ophthalmoplegia; King Denborough syndrome. Last evaluated: 2021-08-04. Review status: criteria provided, single submitter. Criteria: ACMG Guidelines, 2015. Collection method: clinical testing. Allele origin: unknown.

NM_000540.3(RYR1):c.12823G>A (p.Ala4275Thr)

Gene: RYR1 (ryanodine receptor 1; plus strand). Cytogenetic location: 19q13.2.
Variant type: single nucleotide variant.
Coding change: c.12823G>A on transcript NM_000540.3 (MANE Select); coding-DNA position 12823, G replaced by A.
Protein change: p.Ala4275Thr; replaces alanine 4275 with threonine.
Molecular consequence: missense variant.
Genome position (GRCh38, 1-based): chr19:38,565,157, G>A. VCF-style: chr19-38565157-G-A. GRCh37 (hg19) VCF-style: chr19-39055797-G-A.
Other names: c.12808G>A, p.Ala4270Thr (NM_001042723.2); short protein forms A4270T, A4275T.
Identifiers: ClinVar variation 1041717 (VCV001041717.9), dbSNP rs761125496, ClinGen allele CA059468.